The following is an entry in ClinVar:

NM_003091.4(SNRPB):c.569G>A (p.Gly190Asp)

Gene: SNRPB (small nuclear ribonucleoprotein polypeptides B and B1; minus strand). Cytogenetic location: 20p13.
Variant type: single nucleotide variant.
Coding change: c.569G>A on transcript NM_003091.4 (MANE Select); coding-DNA position 569, G replaced by A.
Protein change: p.Gly190Asp; replaces glycine 190 with aspartic acid.
Molecular consequence: missense variant.
Genome position (GRCh38, 1-based): chr20:2,462,752, C>T on the plus strand (G>A on the coding strand, the complement: SNRPB is on the minus strand). VCF-style: chr20-2462752-C-T. GRCh37 (hg19) VCF-style: chr20-2443398-C-T.
Other names: c.569G>A, p.Gly190Asp (NM_198216.2); short protein forms G190D.
Identifiers: ClinVar variation 3659745 (VCV003659745.2).

ClinVar aggregate classification (germline): Uncertain significance (1 of 4 stars; one submission).

gnomAD v4.1: 1 of 1,537,184 alleles (0.000065%); highest among the groups gnomAD compares: Non-Finnish European, 0.000087%; no homozygotes.

Submission:

Labcorp Genetics (formerly Invitae), Labcorp
Classification: Uncertain significance. Last evaluated: 2024-07-29. Review status: criteria provided, single submitter. Criteria: Invitae Variant Classification Sherloc (09022015). Collection method: clinical testing. Allele origin: germline.
Comment: This sequence change replaces glycine, which is neutral and non-polar, with aspartic acid, which is acidic and polar, at codon 190 of the SNRPB protein (p.Gly190Asp). This variant is not present in population databases (gnomAD no frequency). This variant has not been reported in the literature in individuals affected with SNRPB-related conditions. Experimental studies and prediction algorithms are not available or were not evaluated, and the functional significance of this variant is currently unknown. In summary, the available evidence is currently insufficient to determine the role of this variant in disease. Therefore, it has been classified as a Variant of Uncertain Significance.